The following is an entry in ClinVar:

ClinVar aggregate classification (germline): Uncertain significance (1 of 4 stars; one submission).

Conditions:
Arrhythmogenic right ventricular dysplasia 13. Also called: ARRHYTHMOGENIC RIGHT VENTRICULAR CARDIOMYOPATHY 13; Arrhythmogenic right ventricular dysplasia, familial, 13. Identifiers: MedGen C3810138, MONDO:0000908, OMIM 615616.

Allele frequency attached by ClinVar (database versions not stated): TOPMed 0.00001.

Submission:

Labcorp Genetics (formerly Invitae), Labcorp
Classification: Uncertain significance for Arrhythmogenic right ventricular dysplasia 13. Last evaluated: 2022-11-15. Review status: criteria provided, single submitter. Criteria: Invitae Variant Classification Sherloc (09022015). Collection method: clinical testing. Allele origin: germline.
Comment: Advanced modeling of protein sequence and biophysical properties (such as structural, functional, and spatial information, amino acid conservation, physicochemical variation, residue mobility, and thermodynamic stability) performed at Invitae indicates that this missense variant is expected to disrupt CTNNA3 protein function. In summary, the available evidence is currently insufficient to determine the role of this variant in disease. Therefore, it has been classified as a Variant of Uncertain Significance. ClinVar contains an entry for this variant (Variation ID: 999671). This variant has not been reported in the literature in individuals affected with CTNNA3-related conditions. The frequency data for this variant in the population databases is considered unreliable, as metrics indicate poor data quality at this position in the gnomAD database. This sequence change replaces arginine, which is basic and polar, with histidine, which is basic and polar, at codon 374 of the CTNNA3 protein (p.Arg374His).

NM_013266.4(CTNNA3):c.1121G>A (p.Arg374His)

Gene: CTNNA3 (catenin alpha 3; minus strand). Cytogenetic location: 10q21.3.
Variant type: single nucleotide variant.
Coding change: c.1121G>A on transcript NM_013266.4 (MANE Select); coding-DNA position 1121, G replaced by A.
Protein change: p.Arg374His; replaces arginine 374 with histidine.
Molecular consequence: missense variant.
Genome position (GRCh38, 1-based): chr10:66,775,451, C>T on the plus strand (G>A on the coding strand, the complement: CTNNA3 is on the minus strand). VCF-style: chr10-66775451-C-T. GRCh37 (hg19) VCF-style: chr10-68535209-C-T.
Other names: c.1121G>A, p.Arg374His (NM_001127384.3); short protein forms R374H.
Identifiers: ClinVar variation 999671 (VCV000999671.8), dbSNP rs1360269534, ClinGen allele CA377092122.
Genomic context (GRCh38, chr10:66,775,451, plus strand): 5'-ACAGTTTCATTTAGCCCCTATGTTTCTGACTCCATATCTCTCTCTTCCCTCACCTGTCTG[C>T]GAAGGTCTCTTGTCTTCTTACACATGTTGTCTAAAGCAATATTCAGGGTATTACTCCTTT-3'
Protein context (NP_037398.2, residues 364-384): DNMCKKTRDL[Arg374His]RQLRKAIIDH